The following is an entry in ClinVar:

NM_203446.3(SYNJ1):c.789+1G>A

Gene: SYNJ1 (synaptojanin 1; minus strand). Cytogenetic location: 21q22.11.
Variant type: single nucleotide variant.
Coding change: c.789+1G>A on transcript NM_203446.3 (MANE Select); the canonical splice donor site of the intron after coding-DNA position 789, G replaced by A.
Molecular consequence: splice donor variant.
Genome position (GRCh38, 1-based): chr21:32,694,227, C>T on the plus strand (G>A on the coding strand, the complement: SYNJ1 is on the minus strand). VCF-style: chr21-32694227-C-T. GRCh37 (hg19) VCF-style: chr21-34066537-C-T.
Other names: c.906+1G>A (NM_003895.4); c.789+1G>A (NM_001160302.2, NM_001160306.2).
Identifiers: ClinVar variation 962464 (VCV000962464.8), dbSNP rs2042124608, ClinGen allele CA410097222.

ClinVar aggregate classification (germline): Likely pathogenic (1 of 4 stars; one submission).

Conditions:
Early-onset Parkinson disease 20. Also called: PARKINSON DISEASE 20, AUTOSOMAL RECESSIVE EARLY-ONSET. Identifiers: Orphanet 391411, MedGen C3809824, MONDO:0014233, OMIM 615530.
Developmental and epileptic encephalopathy, 53. Also called: Epileptic encephalopathy, early infantile, 53. Identifiers: MedGen C4479313, MONDO:0033362, OMIM 617389.

Allele frequency attached by ClinVar (database versions not stated): gnomAD exomes below 0.00001.
gnomAD v4.1: 3 of 1,530,850 alleles (0.0002%); highest among the groups gnomAD compares: Non-Finnish European, 0.00026%; no homozygotes.

Submission:

Labcorp Genetics (formerly Invitae), Labcorp
Classification: Likely pathogenic for Developmental and epileptic encephalopathy, 53; Early-onset Parkinson disease 20. Last evaluated: 2019-10-26. Review status: criteria provided, single submitter. Criteria: Invitae Variant Classification Sherloc (09022015). Collection method: clinical testing. Allele origin: germline.
Comment: In summary, the currently available evidence indicates that the variant is pathogenic, but additional data are needed to prove that conclusively. Therefore, this variant has been classified as Likely Pathogenic. Donor and acceptor splice site variants typically lead to a loss of protein function (PMID: 16199547), and loss-of-function variants in SYNJ1 are known to be pathogenic (PMID: 25316601, 27435091). Algorithms developed to predict the effect of sequence changes on RNA splicing suggest that this variant may disrupt the consensus splice site, but this prediction has not been confirmed by published transcriptional studies. This variant has not been reported in the literature in individuals with SYNJ1-related conditions. This variant is not present in population databases (ExAC no frequency). This sequence change affects a donor splice site in intron 6 of the SYNJ1 gene. It is expected to disrupt RNA splicing and likely results in an absent or disrupted protein product.

Literature cited by the submitters: PubMed 16199547; PubMed 25316601; PubMed 27435091.